The following is an entry in ClinVar:

NM_001277062.2(MFF):c.869G>A (p.Arg290His)

Gene: MFF (mitochondrial fission factor; plus strand). Cytogenetic location: 2q36.3.
Variant type: single nucleotide variant.
Coding change: c.869G>A on transcript NM_001277062.2 (MANE Select); coding-DNA position 869, G replaced by A.
Protein change: p.Arg290His; replaces arginine 290 with histidine.
Molecular consequence: missense variant. On other transcripts: non-coding transcript variant (1).
Genome position (GRCh38, 1-based): chr2:227,357,110, G>A. VCF-style: chr2-227357110-G-A. GRCh37 (hg19) VCF-style: chr2-228221826-G-A.
Other names: c.1022G>A, p.Arg341His (NM_001277061.2, NM_020194.5); c.725G>A, p.Arg242His (NM_001277063.2); c.710G>A, p.Arg237His (NM_001277064.2); c.650G>A, p.Arg217His (NM_001277065.2, NM_001277066.2); c.659G>A, p.Arg220His (NM_001277067.1); c.752G>A, p.Arg251His (NM_001277068.1); short protein forms R217H, R220H, R237H, R242H, R251H, R290H, R341H.
Identifiers: ClinVar variation 1329809 (VCV001329809.2), dbSNP rs62190918, ClinGen allele CA2148107.
Genomic context (GRCh38, chr2:227,357,110, plus strand): 5'-AAATGGTCATGTATTCAATTACTGTAGCTTTCTGGCTGCTTAATAGCTGGCTCTGGTTTC[G>A]CCGCTAGAGGTAACATCAGCCCTCAAAAATACTGTCTCAACAGCTGGAAATATAAAAGAT-3'
Protein context (NP_001263991.1, residues 280-291): FWLLNSWLWF[Arg290His]R

ClinVar aggregate classification (germline): Uncertain significance (1 of 4 stars; one submission).

Allele frequency attached by ClinVar (database versions not stated): gnomAD exomes 0.00002; ExAC 0.00003; gnomAD 0.00003 and 0.00004; ESP Exome Variant Server 0.00008.
gnomAD v4.1: 40 of 1,611,442 alleles (0.0025%); highest among the groups gnomAD compares: African/African-American, 0.0053%; no homozygotes.

Submission:

GeneDx
Classification: Uncertain significance. Last evaluated: 2021-06-24. Review status: criteria provided, single submitter. Criteria: GeneDx Variant Classification Process June 2021. Collection method: clinical testing. Allele origin: germline. Affected: yes.
Comment: Not observed at significant frequency in large population cohorts (Lek et al., 2016); In silico analysis supports that this missense variant has a deleterious effect on protein structure/function; Has not been previously published as pathogenic or benign to our knowledge; This variant is associated with the following publications: (PMID: 27535533)